The following is an entry in ClinVar:

NM_001077350.3(NPRL3):c.1699C>G (p.Leu567Val)

Gene: NPRL3 (NPR3 like, GATOR1 complex subunit; minus strand). Cytogenetic location: 16p13.3.
Variant type: single nucleotide variant.
Coding change: c.1699C>G on transcript NM_001077350.3 (MANE Select); coding-DNA position 1699, C replaced by G.
Protein change: p.Leu567Val; replaces leucine 567 with valine.
Molecular consequence: missense variant.
Genome position (GRCh38, 1-based): chr16:86,716, G>C on the plus strand (C>G on the coding strand, the complement: NPRL3 is on the minus strand). VCF-style: chr16-86716-G-C. GRCh37 (hg19) VCF-style: chr16-136715-G-C.
Other names: c.1162C>G, p.Leu388Val (NM_001039476.3); c.1465C>G, p.Leu489Val (NM_001243247.2); c.1624C>G, p.Leu542Val (NM_001243248.2, NM_001243249.2); short protein forms L388V, L489V, L542V, L567V.
Identifiers: ClinVar variation 2800501 (VCV002800501.3), dbSNP rs2542790869, ClinGen allele CA394043931.

ClinVar aggregate classification (germline): Uncertain significance (1 of 4 stars; one submission).

Conditions:
Epilepsy, familial focal, with variable foci 3 (FFEVF3). Identifiers: MedGen C4310708, MONDO:0014925, OMIM 617118.

Submission:

Labcorp Genetics (formerly Invitae), Labcorp
Classification: Uncertain significance for Epilepsy, familial focal, with variable foci 3. Last evaluated: 2023-05-18. Review status: criteria provided, single submitter. Criteria: Invitae Variant Classification Sherloc (09022015). Collection method: clinical testing. Allele origin: germline.
Comment: This variant has not been reported in the literature in individuals affected with NPRL3-related conditions. Experimental studies and prediction algorithms are not available or were not evaluated, and the functional significance of this variant is currently unknown. In summary, the available evidence is currently insufficient to determine the role of this variant in disease. Therefore, it has been classified as a Variant of Uncertain Significance. This variant is not present in population databases (gnomAD no frequency). This sequence change replaces leucine, which is neutral and non-polar, with valine, which is neutral and non-polar, at codon 567 of the NPRL3 protein (p.Leu567Val).